The following is an entry in ClinVar:

NM_006593.4(TBR1):c.1282G>A (p.Ala428Thr)

Gene: TBR1 (T-box brain transcription factor 1; plus strand). Cytogenetic location: 2q24.2.
Variant type: single nucleotide variant.
Coding change: c.1282G>A on transcript NM_006593.4 (MANE Select); coding-DNA position 1282, G replaced by A.
Protein change: p.Ala428Thr; replaces alanine 428 with threonine.
Molecular consequence: missense variant.
Genome position (GRCh38, 1-based): chr2:161,423,460, G>A. VCF-style: chr2-161423460-G-A. GRCh37 (hg19) VCF-style: chr2-162279971-G-A.
Other names: short protein forms A428T.
Identifiers: ClinVar variation 1768273 (VCV001768273.13), dbSNP rs370488062, ClinGen allele CA1930950.

ClinVar aggregate classification (germline): Likely benign. Review status: criteria provided, multiple submitters, no conflicts (2 of 4 stars). 2 submissions from 2 submitters: Likely benign (2). Last evaluated 2025-05-01.

Conditions:
Inborn genetic diseases. Identifiers: MedGen C0950123, MeSH D030342.

Allele frequency attached by ClinVar (database versions not stated): ESP Exome Variant Server 0.00008.
gnomAD v4.1: 46 of 1,606,208 alleles (0.0029%); highest among the groups gnomAD compares: Non-Finnish European, 0.0038%; no homozygotes.

Submissions (2):

CeGaT Center for Human Genetics Tuebingen
Classification: Likely benign. Last evaluated: 2025-05-01. Review status: criteria provided, single submitter. Criteria: CeGaT Center For Human Genetics Tuebingen Variant Classification Criteria Version 2. Collection method: clinical testing. Allele origin: germline. Affected: yes. Observed: 1 variant allele.
Comment: TBR1: BS2

Ambry Genetics
Classification: Likely benign for Inborn genetic diseases. Last evaluated: 2024-12-25. Review status: criteria provided, single submitter. Criteria: Ambry Variant Classification Scheme 2023. Collection method: clinical testing. Allele origin: germline.